The following is an entry in ClinVar:

ClinVar aggregate classification (germline): Uncertain significance (1 of 4 stars; one submission).

Submission:

Labcorp Genetics (formerly Invitae), Labcorp
Classification: Uncertain significance. Last evaluated: 2022-03-01. Review status: criteria provided, single submitter. Criteria: Invitae Variant Classification Sherloc (09022015). Collection method: clinical testing. Allele origin: germline.
Comment: In summary, the available evidence is currently insufficient to determine the role of this variant in disease. Therefore, it has been classified as a Variant of Uncertain Significance. This variant has not been reported in the literature in individuals affected with SON-related conditions. This variant is not present in population databases (gnomAD no frequency). This variant, c.4131_4132insACTTCGACTGTGACTGTCCTGGAG, results in the insertion of 8 amino acid(s) of the SON protein (p.Glu1377_Ser1378insThrSerThrValThrValLeuGlu), but otherwise preserves the integrity of the reading frame.

NM_138927.4(SON):c.4131_4132insACTTCGACTGTGACTGTCCTGGAG (p.Glu1377_Ser1378insThrSerThrValThrValLeuGlu)

Gene: SON (SON DNA and RNA binding protein; plus strand). Cytogenetic location: 21q22.11.
Variant type: Insertion.
Coding change: c.4131_4132insACTTCGACTGTGACTGTCCTGGAG on transcript NM_138927.4 (MANE Select); coding-DNA positions 4131 to 4132, ACTTCGACTGTGACTGTCCTGGAG inserted.
Protein change: p.Glu1377_Ser1378insThrSerThrValThrValLeuGlu.
Molecular consequence: inframe insertion. On other transcripts: inframe indel (3), non-coding transcript variant (1), intron variant (1).
Genome position: GRCh38 VCF-style: chr21-33553339-T-TCTTCGACTGTGACTGTCCTGGAGA. GRCh37 (hg19) VCF-style: chr21-34925645-T-TCTTCGACTGTGACTGTCCTGGAGA.
Other names: c.4131_4132insACTTCGACTGTGACTGTCCTGGAG, p.Glu1377_Ser1378insThrSerThrValThrValLeuGlu (NM_001291411.2, NM_001412133.1, NM_032195.3 and 2 more transcripts); c.245-3794_245-3793insACTTCGACTGTGACTGTCCTGGAG (NM_001291412.3).
Identifiers: ClinVar variation 1953685 (VCV001953685.5), dbSNP rs2517378228, ClinGen allele CA2580098638.
Genomic context (GRCh38, chr21:33,553,339, plus strand): 5'-GCTGCCCCAGAGTCTTCAGCTATGGCTGTCCTGGAGTCTTCGGCTGTGACCGTCCTGGAG[T>TCTTCGACTGTGACTGTCCTGGAGA]CTTCGACTGTGACTGTCCTGGAGTCTTCGACTGTAACTGTCCTGGAGCCTTCGGTTGTGA-3'